The following is an entry in ClinVar:

NM_000038.6(APC):c.6823A>C (p.Lys2275Gln)

Gene: APC (APC regulator of Wnt signaling pathway; plus strand). Cytogenetic location: 5q22.2.
Variant type: single nucleotide variant.
Coding change: c.6823A>C on transcript NM_000038.6 (MANE Select); coding-DNA position 6823, A replaced by C.
Protein change: p.Lys2275Gln; replaces lysine 2275 with glutamine.
Molecular consequence: missense variant.
Genome position (GRCh38, 1-based): chr5:112,842,417, A>C. VCF-style: chr5-112842417-A-C. GRCh37 (hg19) VCF-style: chr5-112178114-A-C.
Other names: c.6823A>C, p.Lys2275Gln (NM_001127510.3, NM_001354895.2, NM_001407450.1); c.6769A>C, p.Lys2257Gln (NM_001127511.3); c.6877A>C, p.Lys2293Gln (NM_001354896.2, NM_001407447.1, NM_001407448.1 and 1 more transcripts); c.6853A>C, p.Lys2285Gln (NM_001354897.2); c.6748A>C, p.Lys2250Gln (NM_001354898.2); c.6739A>C, p.Lys2247Gln (NM_001354899.2); c.6700A>C, p.Lys2234Gln (NM_001354900.2); c.6646A>C, p.Lys2216Gln (NM_001354901.2, NM_001407453.1); and 11 more; short protein forms K1891Q, K1992Q, K2115Q, K2146Q, K2149Q, K2174Q, K2184Q, K2192Q.
Identifiers: ClinVar variation 1716485 (VCV001716485.6), dbSNP rs2149974065, ClinGen allele CA16036224.

ClinVar aggregate classification (germline): Uncertain significance (1 of 4 stars; one submission).

Conditions:
Familial adenomatous polyposis 1 (FAP1). Also called: POLYPOSIS, ADENOMATOUS INTESTINAL; FAMILIAL ADENOMATOUS POLYPOSIS 1, ATTENUATED. Identifiers: MedGen C2713442, MONDO:0021056, OMIM 175100. Disease mechanism: loss of function.

Allele frequency attached by ClinVar (database versions not stated): gnomAD exomes below 0.00001.
gnomAD v4.1: 1 of 1,614,098 alleles (0.000062%); highest among the groups gnomAD compares: Non-Finnish European, 0.000085%; no homozygotes.

Submission:

Labcorp Genetics (formerly Invitae), Labcorp
Classification: Uncertain significance for Familial adenomatous polyposis 1. Last evaluated: 2022-08-16. Review status: criteria provided, single submitter. Criteria: Invitae Variant Classification Sherloc (09022015). Collection method: clinical testing. Allele origin: germline.
Comment: Algorithms developed to predict the effect of missense changes on protein structure and function are either unavailable or do not agree on the potential impact of this missense change (SIFT: "Tolerated"; PolyPhen-2: "Probably Damaging"; Align-GVGD: "Class C0"). This variant has not been reported in the literature in individuals affected with APC-related conditions. This variant is not present in population databases (gnomAD no frequency). This sequence change replaces lysine, which is basic and polar, with glutamine, which is neutral and polar, at codon 2275 of the APC protein (p.Lys2275Gln). In summary, the available evidence is currently insufficient to determine the role of this variant in disease. Therefore, it has been classified as a Variant of Uncertain Significance.